The following is an entry in ClinVar:

ClinVar aggregate classification (germline): Pathogenic/Likely pathogenic. Review status: criteria provided, multiple submitters, no conflicts (2 of 4 stars). 2 submissions from 2 submitters: Pathogenic (1); Likely pathogenic (1). Last evaluated 2023-04-06.

Conditions:
TULP1-related disorder. Also called: TULP1-related condition; TULP1-related disorders.

Submissions (2):

Labcorp Genetics (formerly Invitae), Labcorp
Classification: Pathogenic. Last evaluated: 2023-04-06. Review status: criteria provided, single submitter. Criteria: Invitae Variant Classification Sherloc (09022015). Collection method: clinical testing. Allele origin: germline.
Comment: The frequency data for this variant in the population databases is considered unreliable, as metrics indicate poor data quality at this position in the gnomAD database. This sequence change creates a premature translational stop signal (p.Gln301Profs*83) in the TULP1 gene. It is expected to result in an absent or disrupted protein product. Loss-of-function variants in TULP1 are known to be pathogenic (PMID: 8606774, 10549638, 15024725, 18055821). This variant has not been reported in the literature in individuals affected with TULP1-related conditions. For these reasons, this variant has been classified as Pathogenic. ClinVar contains an entry for this variant (Variation ID: 1410806).

Blueprint Genetics
Classification: Likely pathogenic for TULP1-related disorders. Last evaluated: 2020-08-06. Review status: criteria provided, single submitter. Criteria: ACMG Guidelines, 2015. Collection method: clinical testing. Allele origin: germline. Affected: yes. Observed: 1 variant allele.

Literature cited by the submitters: PubMed 8606774 (cited by Labcorp Genetics (formerly Invitae), Labcorp); PubMed 10549638 (cited by Labcorp Genetics (formerly Invitae), Labcorp); PubMed 15024725 (cited by Labcorp Genetics (formerly Invitae), Labcorp); PubMed 18055821 (cited by Labcorp Genetics (formerly Invitae), Labcorp).

NM_003322.6(TULP1):c.901dup (p.Gln301fs)

Gene: TULP1 (TUB like protein 1; minus strand). Cytogenetic location: 6p21.31.
Variant type: Duplication.
Coding change: c.901dup on transcript NM_003322.6 (MANE Select); coding-DNA position 901, one base duplicated (C; older notation c.901dupC).
Protein change: p.Gln301fs; shifts the reading frame from glutamine 301.
Molecular consequence: frameshift variant.
Genome position (GRCh38, 1-based): chr6:35,506,101, G duplicated on the plus strand (C on the coding strand, the reverse complement: TULP1 is on the minus strand); the first of 6 consecutive G bases (chr6:35,506,101-35,506,106); duplicating any one gives the same sequence. VCF-style (leftmost placement, unchanged base first): chr6-35506100-T-TG. GRCh37 (hg19) VCF-style: chr6-35473877-T-TG.
Other names: c.742dup, p.Gln248fs (NM_001289395.2); short protein forms Q248fs, Q301fs.
Identifiers: ClinVar variation 1410806 (VCV001410806.7), dbSNP rs62636292, ClinGen allele CA566703198.
Genomic context (GRCh38, chr6:35,506,100, plus strand): 5'-TACATGCCTCGATCCATGCCCTTTTTGTCCCGGGTCAGCCGGCAGCGCACCGTGCGGCCC[T>TG]GGGGGGCAGGCCGGAGCACAAACTCCCGGGGTTCGTCCACCTCCACGGGGGGAGACGGGG-3'